The following is an entry in ClinVar:

NM_000245.4(MET):c.2960G>A (p.Arg987Gln)

Gene: MET (MET proto-oncogene, receptor tyrosine kinase; plus strand). Cytogenetic location: 7q31.2.
Variant type: single nucleotide variant.
Coding change: c.2960G>A on transcript NM_000245.4 (MANE Select); coding-DNA position 2960, G replaced by A.
Protein change: p.Arg987Gln; replaces arginine 987 with glutamine.
Molecular consequence: missense variant.
Genome position (GRCh38, 1-based): chr7:116,771,921, G>A. VCF-style: chr7-116771921-G-A. GRCh37 (hg19) VCF-style: chr7-116411975-G-A.
Other names: c.3014G>A, p.Arg1005Gln (NM_001127500.3); c.1670G>A, p.Arg557Gln (NM_001324402.2); short protein forms R1005Q, R987Q, R557Q.
Identifiers: ClinVar variation 822592 (VCV000822592.16), dbSNP rs910937816, ClinGen allele CA164905068.

ClinVar aggregate classification (germline): Uncertain significance. Review status: criteria provided, multiple submitters, no conflicts (2 of 4 stars). 3 submissions from 3 submitters: Uncertain significance (3). Last evaluated 2024-03-20.

Conditions:
Hereditary cancer-predisposing syndrome. Also called: Tumor predisposition; Hereditary Cancer Syndrome; Neoplastic Syndromes, Hereditary; Hereditary neoplastic syndrome. Identifiers: Orphanet 140162, MedGen C0027672, MeSH D009386, MONDO:0015356.
Renal cell carcinoma. Identifiers: Orphanet 217071, MedGen C0007134, MeSH D002292, MONDO:0005086, HP:0005584.
Autosomal recessive nonsyndromic hearing loss 97. Also called: Deafness, autosomal recessive 97. Identifiers: Orphanet 90636, MedGen C4084709, MONDO:0014739, OMIM 616705.

Allele frequency attached by ClinVar (database versions not stated): gnomAD exomes below 0.00001 and 0.00001.
gnomAD v4.1: 8 of 1,613,882 alleles (0.0005%); highest among the groups gnomAD compares: South Asian, 0.0022%; no homozygotes.

Submissions (3):

Ambry Genetics
Classification: Uncertain significance for Hereditary cancer-predisposing syndrome. Last evaluated: 2024-03-20. Review status: criteria provided, single submitter. Criteria: Ambry Variant Classification Scheme 2023. Collection method: clinical testing. Allele origin: germline.
Comment: The p.R1005Q variant (also known as c.3014G>A), located in coding exon 13 of the MET gene, results from a G to A substitution at nucleotide position 3014. The arginine at codon 1005 is replaced by glutamine, an amino acid with highly similar properties. This amino acid position is highly conserved in available vertebrate species. In addition, the in silico prediction for this alteration is inconclusive. Since supporting evidence is limited at this time, the clinical significance of this alteration remains unclear.

Baylor Genetics
Classification: Uncertain significance for Autosomal recessive nonsyndromic hearing loss 97. Last evaluated: 2023-09-04. Review status: criteria provided, single submitter. Criteria: ACMG Guidelines, 2015. Collection method: clinical testing. Allele origin: unknown.

Labcorp Genetics (formerly Invitae), Labcorp
Classification: Uncertain significance for Renal cell carcinoma. Last evaluated: 2023-01-22. Review status: criteria provided, single submitter. Criteria: Invitae Variant Classification Sherloc (09022015). Collection method: clinical testing. Allele origin: germline.
Comment: This sequence change replaces arginine, which is basic and polar, with glutamine, which is neutral and polar, at codon 1005 of the MET protein (p.Arg1005Gln). This variant is present in population databases (no rsID available, gnomAD 0.003%). This variant has not been reported in the literature in individuals affected with MET-related conditions. ClinVar contains an entry for this variant (Variation ID: 822592). Advanced modeling of protein sequence and biophysical properties (such as structural, functional, and spatial information, amino acid conservation, physicochemical variation, residue mobility, and thermodynamic stability) performed at Invitae indicates that this missense variant is expected to disrupt MET protein function. In summary, the available evidence is currently insufficient to determine the role of this variant in disease. Therefore, it has been classified as a Variant of Uncertain Significance.